The following is an entry in ClinVar:

NM_001042492.3(NF1):c.1186-2A>C

Gene: NF1 (neurofibromin 1; plus strand). Cytogenetic location: 17q11.2.
Variant type: single nucleotide variant.
Coding change: c.1186-2A>C on transcript NM_001042492.3 (MANE Select); the canonical splice acceptor site of the intron before coding-DNA position 1186, A replaced by C.
Molecular consequence: splice acceptor variant.
Genome position (GRCh38, 1-based): chr17:31,201,409, A>C. VCF-style: chr17-31201409-A-C. GRCh37 (hg19) VCF-style: chr17-29528427-A-C.
Other names: c.1186-2A>C (NM_000267.4, NM_001128147.3).
Identifiers: ClinVar variation 1743386 (VCV001743386.2), dbSNP rs1373365576, ClinGen allele CA398997396.

ClinVar aggregate classification (germline): Likely pathogenic (1 of 4 stars; one submission).

Conditions:
Cardiovascular phenotype. Identifiers: MedGen CN230736.
Hereditary cancer-predisposing syndrome. Also called: Hereditary Cancer Syndrome; Neoplastic Syndromes, Hereditary; Tumor predisposition; Hereditary neoplastic syndrome. Identifiers: Orphanet 140162, MedGen C0027672, MeSH D009386, MONDO:0015356.

Submission:

Ambry Genetics
Classification: Likely pathogenic for Cardiovascular phenotype; Hereditary cancer-predisposing syndrome. Last evaluated: 2020-09-29. Review status: criteria provided, single submitter. Criteria: Ambry Variant Classification Scheme 2023. Collection method: clinical testing. Allele origin: germline.
Comment: The c.1186-2A>C intronic variant results from an A to C substitution two nucleotides upstream from coding exon 11 in the NF1 gene. In silico splice site analysis predicts that this alteration will weaken the native splice acceptor site and will result in the creation or strengthening of a novel splice acceptor site. The resulting transcript is predicted to be in-frame and is not expected to trigger nonsense-mediated mRNA decay; however, direct evidence is unavailable. The exact functional effect of the missing amino acids is unknown. Other alterations impacting this same splice acceptor site have been identified in individuals with clinical diagnoses of neurofibromatosis type 1, however. Additionally, RNA data indicates three such variants (c.1186-2A>T, c.1186-2A>G, and c.1186-1G>C) result in the same abnormally spliced transcript as is predicted to result from c.1186-2A>C (Pros E et al. Hum. Mutat., 2008 Sep;29:E173-93; Brekelmans C et al. Hum. Mutat., 2019 10;40:1760-1767; Melloni G et al. Cancers (Basel), 2019 11;11:). The c.1186-2A>C variant was not reported in population-based cohorts in the Genome Aggregation Database (gnomAD). This nucleotide position is highly conserved in available vertebrate species. Based on the majority of available evidence to date, this variant is likely to be pathogenic.